The following is an entry in ClinVar:

ClinVar aggregate classification (germline): Uncertain significance (1 of 4 stars; one submission).

Conditions:
Hereditary spastic paraplegia 30. Identifiers: Orphanet 101010, MedGen C5235139, MONDO:0012476.
Neuropathy, hereditary sensory, type 2C. Also called: Hereditary sensory and autonomic neuropathy type IIC; KIF1A-Related HSAN2 (HSAN2C). Identifiers: Orphanet 970, MedGen C3280168, MONDO:0013634, OMIM 614213.
Intellectual disability, autosomal dominant 9 (NESCAVS). Also called: NESCAV SYNDROME; KIF1A-Related Neurodevelopmental Disorder. Identifiers: Orphanet 662367, MedGen C5393830, MONDO:0013656, OMIM 614255.

Submission:

Labcorp Genetics (formerly Invitae), Labcorp
Classification: Uncertain significance for Hereditary spastic paraplegia 30; Neuropathy, hereditary sensory, type 2C; Intellectual disability, autosomal dominant 9. Last evaluated: 2022-12-02. Review status: criteria provided, single submitter. Criteria: Invitae Variant Classification Sherloc (09022015). Collection method: clinical testing. Allele origin: germline.
Comment: This variant is not present in population databases (gnomAD no frequency). In summary, the available evidence is currently insufficient to determine the role of this variant in disease. Therefore, it has been classified as a Variant of Uncertain Significance. Advanced modeling of protein sequence and biophysical properties (such as structural, functional, and spatial information, amino acid conservation, physicochemical variation, residue mobility, and thermodynamic stability) performed at Invitae indicates that this missense variant is not expected to disrupt KIF1A protein function. ClinVar contains an entry for this variant (Variation ID: 1430127). This variant has not been reported in the literature in individuals affected with KIF1A-related conditions. This sequence change replaces alanine, which is neutral and non-polar, with threonine, which is neutral and polar, at codon 989 of the KIF1A protein (p.Ala989Thr).

NM_001244008.2(KIF1A):c.3268G>A (p.Ala1090Thr)

Gene: KIF1A (kinesin family member 1A; minus strand). Cytogenetic location: 2q37.3.
Variant type: single nucleotide variant.
Coding change: c.3268G>A on transcript NM_001244008.2 (MANE Select); coding-DNA position 3268, G replaced by A.
Protein change: p.Ala1090Thr; replaces alanine 1090 with threonine.
Molecular consequence: missense variant.
Genome position (GRCh38, 1-based): chr2:240,745,844, C>T on the plus strand (G>A on the coding strand, the complement: KIF1A is on the minus strand). VCF-style: chr2-240745844-C-T. GRCh37 (hg19) VCF-style: chr2-241685261-C-T.
Other names: c.2992G>A, p.Ala998Thr (NM_001320705.2, NM_001330289.2, NM_001379638.1); c.3067G>A, p.Ala1023Thr (NM_001330290.2, NM_001379634.1, NM_001379635.1 and 1 more transcripts); c.3343G>A, p.Ala1115Thr (NM_001379631.1); c.3217G>A, p.Ala1073Thr (NM_001379632.1); c.3241G>A, p.Ala1081Thr (NM_001379633.1, NM_001379642.1, NM_001379645.1); c.2965G>A, p.Ala989Thr (NM_001379636.1, NM_001379639.1, NM_001379641.1 and 5 more transcripts); c.3040G>A, p.Ala1014Thr (NM_001379637.1, NM_001379648.1); c.2962G>A, p.Ala988Thr (NM_001379640.1); short protein forms A1014T, A1081T, A988T, A1023T, A1090T, A1115T, A989T, A998T.
Identifiers: ClinVar variation 1430127 (VCV001430127.8), dbSNP rs2125791623, ClinGen allele CA351318156.